The following is an entry in ClinVar:

NM_002427.4(MMP13):c.1249C>T (p.Pro417Ser)

Gene: MMP13 (matrix metallopeptidase 13; minus strand). Cytogenetic location: 11q22.2.
Variant type: single nucleotide variant.
Coding change: c.1249C>T on transcript NM_002427.4 (MANE Select); coding-DNA position 1249, C replaced by T.
Protein change: p.Pro417Ser; replaces proline 417 with serine.
Molecular consequence: missense variant.
Genome position (GRCh38, 1-based): chr11:102,945,712, G>A on the plus strand (C>T on the coding strand, the complement: MMP13 is on the minus strand). VCF-style: chr11-102945712-G-A. GRCh37 (hg19) VCF-style: chr11-102816441-G-A.
Other names: c.1249C>T (NM_002427.3); short protein forms P417S.
Identifiers: ClinVar variation 1910319 (VCV001910319.7), dbSNP rs1040017514, ClinGen allele CA382226291.

ClinVar aggregate classification (germline): Uncertain significance. Review status: criteria provided, multiple submitters, no conflicts (2 of 4 stars). 2 submissions from 2 submitters: Uncertain significance (2). Last evaluated 2023-09-12.

Allele frequency attached by ClinVar (database versions not stated): gnomAD 0.00001.

Submissions (2):

Ambry Genetics
Classification: Uncertain significance. Last evaluated: 2023-09-12. Review status: criteria provided, single submitter. Criteria: Ambry Variant Classification Scheme 2023. Collection method: clinical testing. Allele origin: germline.

Labcorp Genetics (formerly Invitae), Labcorp
Classification: Uncertain significance. Last evaluated: 2022-01-11. Review status: criteria provided, single submitter. Criteria: Invitae Variant Classification Sherloc (09022015). Collection method: clinical testing. Allele origin: germline.
Comment: Algorithms developed to predict the effect of missense changes on protein structure and function are either unavailable or do not agree on the potential impact of this missense change (SIFT: "Deleterious"; PolyPhen-2: "Benign"; Align-GVGD: "Class C65"). In summary, the available evidence is currently insufficient to determine the role of this variant in disease. Therefore, it has been classified as a Variant of Uncertain Significance. This sequence change replaces proline, which is neutral and non-polar, with serine, which is neutral and polar, at codon 417 of the MMP13 protein (p.Pro417Ser). This variant is present in population databases (no rsID available, gnomAD 0.002%). This variant has not been reported in the literature in individuals affected with MMP13-related conditions.